The following is an entry in ClinVar:

ClinVar aggregate classification (germline): Likely benign. Review status: criteria provided, multiple submitters, no conflicts (2 of 4 stars). 2 submissions from 2 submitters: Likely benign (2). Last evaluated 2026-05-29.

Conditions:
Gastrointestinal stromal tumor. Also called: Gastrointestinal stroma tumor; Gastrointestinal stromal tumor, somatic. Identifiers: Orphanet 44890, MedGen C0238198, MeSH D046152, MONDO:0011719, OMIM 606764, HP:0100723.

gnomAD v4.1: 1 of 1,589,870 alleles (0.000063%); highest among the groups gnomAD compares: Non-Finnish European, 0.000086%; no homozygotes.

Submissions (2):

Myriad Genetics, Inc.
Classification: Likely benign for Gastrointestinal stromal tumor. Last evaluated: 2026-05-29. Review status: criteria provided, single submitter. Criteria: Myriad Autosomal Dominant, Autosomal Recessive and X-Linked Classification Criteria (2023). Collection method: clinical testing. Allele origin: unknown.
Comment: This variant is considered likely benign. This variant is intronic and is not expected to impact mRNA splicing.

Labcorp Genetics (formerly Invitae), Labcorp
Classification: Likely benign for Gastrointestinal stromal tumor. Last evaluated: 2022-06-06. Review status: criteria provided, single submitter. Criteria: Invitae Variant Classification Sherloc (09022015). Collection method: clinical testing. Allele origin: germline.

NM_000222.3(KIT):c.2233+7A>C

Gene: KIT (KIT proto-oncogene, receptor tyrosine kinase; plus strand). Cytogenetic location: 4q12.
Variant type: single nucleotide variant.
Coding change: c.2233+7A>C on transcript NM_000222.3 (MANE Select); 7 bases into the intron after coding-DNA position 2233, A replaced by C.
Molecular consequence: intron variant.
Genome position (GRCh38, 1-based): chr4:54,731,426, A>C. VCF-style: chr4-54731426-A-C. GRCh37 (hg19) VCF-style: chr4-55597592-A-C.
Other names: c.2236+7A>C (NM_001385284.1); c.2233+7A>C (NM_001385290.1); c.2224+7A>C (NM_001385288.1); c.2221+7A>C (NM_001385292.1, NM_001093772.2); c.2230+7A>C (NM_001385285.1); c.2218+7A>C (NM_001385286.1).
Identifiers: ClinVar variation 1655855 (VCV001655855.9), dbSNP rs2109792983, ClinGen allele CA2573138276.